The following is an entry in ClinVar:

NM_001035.3(RYR2):c.6551C>T (p.Ser2184Phe)

Gene: RYR2 (ryanodine receptor 2; plus strand). Cytogenetic location: 1q43.
Variant type: single nucleotide variant.
Coding change: c.6551C>T on transcript NM_001035.3 (MANE Select); coding-DNA position 6551, C replaced by T.
Protein change: p.Ser2184Phe; replaces serine 2184 with phenylalanine.
Molecular consequence: missense variant.
Genome position (GRCh38, 1-based): chr1:237,631,537, C>T. VCF-style: chr1-237631537-C-T. GRCh37 (hg19) VCF-style: chr1-237794837-C-T.
Other names: short protein forms S2184F.
Identifiers: ClinVar variation 3071887 (VCV003071887.1), dbSNP rs2546907531, ClinGen allele CA345413384.

ClinVar aggregate classification (germline): Uncertain significance (1 of 4 stars; one submission).

Conditions:
Catecholaminergic polymorphic ventricular tachycardia (CVPT). Also called: Catecholamine-induced polymorphic ventricular tachycardia. Identifiers: Orphanet 3286, MedGen C5574922, MONDO:0017990.

Allele frequency attached by ClinVar (database versions not stated): gnomAD exomes below 0.00001.

Submission:

All of Us Research Program, National Institutes of Health
Classification: Uncertain significance for Catecholaminergic polymorphic ventricular tachycardia. Last evaluated: 2023-06-26. Review status: criteria provided, single submitter. Criteria: ACMG Guidelines, 2015. Collection method: clinical testing. Allele origin: germline. Inheritance: Autosomal dominant inheritance. Observed: 1 variant allele, 1 heterozygote.
Comment: This missense variant replaces serine with phenylalanine at codon 2184 of the RYR2 protein. Computational prediction suggests that this variant may have deleterious impact on protein structure and function (internally defined REVEL score threshold >= 0.7, PMID: 27666373). To our knowledge, functional studies have not been reported for this variant. This variant has not been reported in individuals affected with RYR2-related disorders in the literature. This variant has not been identified in the general population by the Genome Aggregation Database (gnomAD). The available evidence is insufficient to determine the role of this variant in disease conclusively. Therefore, this variant is classified as a Variant of Uncertain Significance.

This study involves interpretation of variants in research participants for the purpose of population health screening. Participant phenotype was not available at the time of variant classification. Additional details can be found in publication PMID: 35346344, PMCID: PMC8962531